The following is an entry in ClinVar:

NM_003031.4(SIAH1):c.518C>T (p.Pro173Leu)

Genes: LONP2 (lon peptidase 2, peroxisomal; plus strand), SIAH1 (siah E3 ubiquitin protein ligase 1; minus strand). Cytogenetic location: 16q12.1.
Variant type: single nucleotide variant.
Coding change: c.518C>T on transcript NM_003031.4 (MANE Select); coding-DNA position 518, C replaced by T.
Protein change: p.Pro173Leu; replaces proline 173 with leucine.
Molecular consequence: missense variant. On other transcripts: 3 prime UTR variant (1).
Genome position (GRCh38, 1-based): chr16:48,361,911, G>A on the plus strand (C>T on the coding strand, the complement: SIAH1 is on the minus strand). VCF-style: chr16-48361911-G-A. GRCh37 (hg19) VCF-style: chr16-48395822-G-A.
Other names: c.611C>T, p.Pro204Leu (NM_001006610.2); c.*315G>A (NM_001348078.2); short protein forms P173L, P204L.
Identifiers: ClinVar variation 5020972 (VCV005020972.1).

ClinVar aggregate classification (germline): Uncertain significance (1 of 4 stars; one submission).

gnomAD v4.1: 1 of 1,614,134 alleles (0.000062%); highest among the groups gnomAD compares: Non-Finnish European, 0.000085%; no homozygotes.

Submission:

Dasa
Classification: Uncertain significance. Last evaluated: 2025-04-12. Review status: criteria provided, single submitter. Criteria: DASA Assertion Criteria. Collection method: clinical testing. Allele origin: germline.
Comment: NM_003031.4(SIAH1):c.518C>T (p.Pro173Leu) is a missense variant that results in the substitution of proline with leucine. This variant is rare in population databases. The currently available literature and clinical evidence are not sufficient to establish a definitive association between this variant and the reported condition. Therefore, this variant is classified as a variant of uncertain significance.